The following is an entry in ClinVar:

NM_000260.4(MYO7A):c.293C>T (p.Thr98Met)

Gene: MYO7A (myosin VIIA; plus strand). Cytogenetic location: 11q13.5.
Variant type: single nucleotide variant.
Coding change: c.293C>T on transcript NM_000260.4 (MANE Select); coding-DNA position 293, C replaced by T.
Protein change: p.Thr98Met; replaces threonine 98 with methionine.
Molecular consequence: missense variant.
Genome position (GRCh38, 1-based): chr11:77,155,914, C>T. VCF-style: chr11-77155914-C-T. GRCh37 (hg19) VCF-style: chr11-76866960-C-T.
Other names: c.293C>T, p.Thr98Met (NM_001127180.2); c.260C>T, p.Thr87Met (NM_001369365.1); short protein forms T87M, T98M.
Identifiers: ClinVar variation 1056529 (VCV001056529.9), dbSNP rs1434564086, ClinGen allele CA381931008.

ClinVar aggregate classification (germline): Uncertain significance. Review status: criteria provided, single submitter (1 of 4 stars). 2 submissions from 2 submitters: Uncertain significance (1). 1 of the submissions does not count toward it. Last evaluated 2022-09-08.

Conditions:
Usher syndrome type 1B (USH1B). Also called: Usher syndrome type IB. Identifiers: MedGen C1848638, MONDO:0700087.

Allele frequency attached by ClinVar (database versions not stated): gnomAD 0.00001; TOPMed 0.00001; gnomAD exomes below 0.00001.
gnomAD v4.1: 7 of 1,600,874 alleles (0.00044%); highest among the groups gnomAD compares: East Asian, 0.0045%; no homozygotes.

Submissions (2):

Labcorp Genetics (formerly Invitae), Labcorp
Classification: Uncertain significance. Last evaluated: 2022-09-08. Review status: criteria provided, single submitter. Criteria: Invitae Variant Classification Sherloc (09022015). Collection method: clinical testing. Allele origin: germline.
Comment: This sequence change replaces threonine, which is neutral and polar, with methionine, which is neutral and non-polar, at codon 98 of the MYO7A protein (p.Thr98Met). The frequency data for this variant in the population databases is considered unreliable, as metrics indicate poor data quality at this position in the gnomAD database. This variant has not been reported in the literature in individuals affected with MYO7A-related conditions. ClinVar contains an entry for this variant (Variation ID: 1056529). Advanced modeling of protein sequence and biophysical properties (such as structural, functional, and spatial information, amino acid conservation, physicochemical variation, residue mobility, and thermodynamic stability) performed at Invitae indicates that this missense variant is not expected to disrupt MYO7A protein function. In summary, the available evidence is currently insufficient to determine the role of this variant in disease. Therefore, it has been classified as a Variant of Uncertain Significance.

Natera, Inc.
Classification: Uncertain significance for Usher syndrome type 1B. Last evaluated: 2020-03-28. Review status: no assertion criteria provided. Collection method: clinical testing. Allele origin: germline. Not counted in ClinVar's aggregate classification.